The following is an entry in ClinVar:

NM_145200.5(CABP4):c.707C>T (p.Pro236Leu)

Gene: CABP4 (calcium binding protein 4; plus strand). Cytogenetic location: 11q13.2.
Variant type: single nucleotide variant.
Coding change: c.707C>T on transcript NM_145200.5 (MANE Select); coding-DNA position 707, C replaced by T.
Protein change: p.Pro236Leu; replaces proline 236 with leucine.
Molecular consequence: missense variant. On other transcripts: non-coding transcript variant (1).
Genome position (GRCh38, 1-based): chr11:67,458,426, C>T. VCF-style: chr11-67458426-C-T. GRCh37 (hg19) VCF-style: chr11-67225897-C-T.
Other names: c.392C>T, p.Pro131Leu (NM_001300895.3, NM_001300896.3, NM_001379183.1); short protein forms P131L, P236L.
Identifiers: ClinVar variation 1479231 (VCV001479231.4), dbSNP rs765914242, ClinGen allele CA6140327.
Genomic context (GRCh38, chr11:67,458,426, plus strand): 5'-CTTAGTTTGACAGGGACAGGGATGGACGAATTACGGTGGCGGAGCTGCGGGAGGCGGTAC[C>T]GGCTCTGCTCGGGGAGCCGCTGGCGGGTCCTGAGCTGGACGAGATGCTCCGAGAAGTGGA-3'
Protein context (NP_660201.1, residues 226-246): ITVAELREAV[Pro236Leu]ALLGEPLAGP

ClinVar aggregate classification (germline): Uncertain significance. Review status: criteria provided, multiple submitters, no conflicts (2 of 4 stars). 2 submissions from 2 submitters: Uncertain significance (2). Last evaluated 2023-06-29.

Allele frequency attached by ClinVar (database versions not stated): gnomAD exomes 0.00001 and 0.00002; ExAC 0.00002; gnomAD 0.00002 and 0.00003; TOPMed 0.00005.
gnomAD v4.1: 24 of 1,613,652 alleles (0.0015%); highest among the groups gnomAD compares: African/African-American, 0.008%; no homozygotes.

Submissions (2):

Blueprint Genetics
Classification: Uncertain significance. Last evaluated: 2023-06-29. Review status: criteria provided, single submitter. Criteria: ACMG Guidelines, 2015. Collection method: clinical testing. Allele origin: germline.

Labcorp Genetics (formerly Invitae), Labcorp
Classification: Uncertain significance. Last evaluated: 2021-08-09. Review status: criteria provided, single submitter. Criteria: Invitae Variant Classification Sherloc (09022015). Collection method: clinical testing. Allele origin: germline.
Comment: This sequence change replaces proline with leucine at codon 236 of the CABP4 protein (p.Pro236Leu). The proline residue is moderately conserved and there is a moderate physicochemical difference between proline and leucine. This variant is present in population databases (rs765914242, ExAC 0.01%). This variant has not been reported in the literature in individuals affected with CABP4-related conditions. Advanced modeling of protein sequence and biophysical properties (such as structural, functional, and spatial information, amino acid conservation, physicochemical variation, residue mobility, and thermodynamic stability) performed at Invitae indicates that this missense variant is not expected to disrupt CABP4 protein function. In summary, the available evidence is currently insufficient to determine the role of this variant in disease. Therefore, it has been classified as a Variant of Uncertain Significance.